The following is an entry in ClinVar:

ClinVar aggregate classification (germline): Uncertain significance. Review status: criteria provided, multiple submitters, no conflicts (2 of 4 stars). 3 submissions from 3 submitters: Uncertain significance (3). Last evaluated 2024-07-05.

Conditions:
Hereditary cancer-predisposing syndrome. Also called: Neoplastic Syndromes, Hereditary; Hereditary Cancer Syndrome; Tumor predisposition; Hereditary neoplastic syndrome. Identifiers: Orphanet 140162, MedGen C0027672, MeSH D009386, MONDO:0015356.
Juvenile polyposis syndrome (JPS). Identifiers: Orphanet 2929, MedGen C0345893, MONDO:0017380, OMIM 174900.
Polyposis syndrome, hereditary mixed, 2. Identifiers: Orphanet 157794, MedGen C1864730, MONDO:0012405, OMIM 610069.

Submissions (3):

Ambry Genetics
Classification: Uncertain significance for Hereditary cancer-predisposing syndrome. Last evaluated: 2024-07-05. Review status: criteria provided, single submitter. Criteria: Ambry Variant Classification Scheme 2023. Collection method: clinical testing. Allele origin: germline.
Comment: The p.I210S variant (also known as c.629T>G), located in coding exon 6 of the BMPR1A gene, results from a T to G substitution at nucleotide position 629. The isoleucine at codon 210 is replaced by serine, an amino acid with dissimilar properties. This amino acid position is highly conserved in available vertebrate species. In addition, this alteration is predicted to be deleterious by in silico analysis. Based on the available evidence, the clinical significance of this variant remains unclear.

Baylor Genetics
Classification: Uncertain significance for Polyposis syndrome, hereditary mixed, 2. Last evaluated: 2024-03-18. Review status: criteria provided, single submitter. Criteria: ACMG Guidelines, 2015. Collection method: clinical testing. Allele origin: unknown.

Labcorp Genetics (formerly Invitae), Labcorp
Classification: Uncertain significance for Juvenile polyposis syndrome. Last evaluated: 2021-02-04. Review status: criteria provided, single submitter. Criteria: Invitae Variant Classification Sherloc (09022015). Collection method: clinical testing. Allele origin: germline.
Comment: In summary, the available evidence is currently insufficient to determine the role of this variant in disease. Therefore, it has been classified as a Variant of Uncertain Significance. This variant has not been reported in the literature in individuals with BMPR1A-related conditions. Advanced modeling of protein sequence and biophysical properties (such as structural, functional, and spatial information, amino acid conservation, physicochemical variation, residue mobility, and thermodynamic stability) performed at Invitae indicates that this missense variant is expected to disrupt BMPR1A protein function. This sequence change replaces isoleucine with serine at codon 210 of the BMPR1A protein (p.Ile210Ser). The isoleucine residue is highly conserved and there is a large physicochemical difference between isoleucine and serine. This variant is not present in population databases (ExAC no frequency).

NM_004329.3(BMPR1A):c.629T>G (p.Ile210Ser)

Gene: BMPR1A (bone morphogenetic protein receptor type 1A; plus strand). Cytogenetic location: 10q23.2.
Variant type: single nucleotide variant.
Coding change: c.629T>G on transcript NM_004329.3 (MANE Select); coding-DNA position 629, T replaced by G.
Protein change: p.Ile210Ser; replaces isoleucine 210 with serine.
Molecular consequence: missense variant.
Genome position (GRCh38, 1-based): chr10:86,912,338, T>G. VCF-style: chr10-86912338-T-G. GRCh37 (hg19) VCF-style: chr10-88672095-T-G.
Other names: c.629T>G (NM_004329.2); short protein forms I210S.
Identifiers: ClinVar variation 1507738 (VCV001507738.10), dbSNP rs730881432, ClinGen allele CA377454897.
Genomic context (GRCh38, chr10:86,912,338, plus strand): 5'-ATCGTGATTTGGAACAGGATGAAGCATTTATTCCAGTTGGAGAATCACTAAAAGACCTTA[T>G]TGACCAGTCACAAAGTTCTGGTAGTGGGTCTGGACTACCTTTATTGGTAAGTTAAACGTT-3'
Protein context (NP_004320.2, residues 200-220): IPVGESLKDL[Ile210Ser]DQSQSSGSGS